The following is an entry in ClinVar:

ClinVar aggregate classification (germline): Benign/Likely benign. Review status: criteria provided, multiple submitters, no conflicts (2 of 4 stars). 3 submissions from 3 submitters: Benign (1); Likely benign (1). 1 of the submissions does not count toward it. Last evaluated 2022-01-12.

Conditions:
ANKLE2-related disorder. Also called: ANKLE2-related condition.
Inborn genetic diseases. Identifiers: MedGen C0950123, MeSH D030342.

Allele frequency attached by ClinVar (database versions not stated): gnomAD 0.00041; TOPMed 0.00050; 1000 Genomes Project 0.00200; 1000 Genomes Project 30x 0.00219.
gnomAD v4.1: 310 of 1,612,986 alleles (0.019%); highest among the groups gnomAD compares: East Asian, 0.55%; 1 homozygote.

Submissions (3):

Ambry Genetics
Classification: Benign for Inborn genetic diseases. Last evaluated: 2022-01-12. Review status: criteria provided, single submitter. Criteria: Ambry Variant Classification Scheme 2023. Collection method: clinical testing. Allele origin: germline.

Labcorp Genetics (formerly Invitae), Labcorp
Classification: Likely benign. Last evaluated: 2019-12-31. Review status: criteria provided, single submitter. Criteria: Invitae Variant Classification Sherloc (09022015). Collection method: clinical testing. Allele origin: germline.

PreventionGenetics, part of Exact Sciences
Classification: Likely benign for ANKLE2-related condition. Last evaluated: 2019-02-22. Review status: no assertion criteria provided. Collection method: clinical testing. Allele origin: germline. Not counted in ClinVar's aggregate classification.
Comment: This variant is classified as likely benign based on ACMG/AMP sequence variant interpretation guidelines (Richards et al. 2015 PMID: 25741868, with internal and published modifications).

NM_015114.3(ANKLE2):c.2539G>A (p.Val847Ile)

Gene: ANKLE2 (ankyrin repeat and LEM domain containing 2; minus strand). Cytogenetic location: 12q24.33.
Variant type: single nucleotide variant.
Coding change: c.2539G>A on transcript NM_015114.3 (MANE Select); coding-DNA position 2539, G replaced by A.
Protein change: p.Val847Ile; replaces valine 847 with isoleucine.
Molecular consequence: missense variant.
Genome position (GRCh38, 1-based): chr12:132,728,108, C>T on the plus strand (G>A on the coding strand, the complement: ANKLE2 is on the minus strand). VCF-style: chr12-132728108-C-T. GRCh37 (hg19) VCF-style: chr12-133304694-C-T.
Other names: c.2539G>A (NM_015114.1); short protein forms V847I.
Identifiers: ClinVar variation 720959 (VCV000720959.9), dbSNP rs185739493, ClinGen allele CA6895179.